The following is an entry in ClinVar:

NM_022124.6(CDH23):c.6155C>T (p.Thr2052Met)

Gene: CDH23 (cadherin related 23; plus strand). Cytogenetic location: 10q22.1.
Variant type: single nucleotide variant.
Coding change: c.6155C>T on transcript NM_022124.6 (MANE Select); coding-DNA position 6155, C replaced by T.
Protein change: p.Thr2052Met; replaces threonine 2052 with methionine.
Molecular consequence: missense variant.
Genome position (GRCh38, 1-based): chr10:71,791,237, C>T. VCF-style: chr10-71791237-C-T. GRCh37 (hg19) VCF-style: chr10-73550994-C-T.
Other names: short protein forms T2052M.
Identifiers: ClinVar variation 2148755 (VCV002148755.2), dbSNP rs1382081524, ClinGen allele CA377152718.

ClinVar aggregate classification (germline): Uncertain significance. Review status: criteria provided, multiple submitters, no conflicts (2 of 4 stars). 2 submissions from 2 submitters: Uncertain significance (2). Last evaluated 2026-09-01.

Allele frequency attached by ClinVar (database versions not stated): gnomAD exomes 0.00001; TOPMed 0.00003.
gnomAD v4.1: 14 of 1,613,424 alleles (0.00087%); highest among the groups gnomAD compares: East Asian, 0.0022%; no homozygotes.

Submissions (2):

CeGaT Center for Human Genetics Tuebingen
Classification: Uncertain significance. Last evaluated: 2026-09-01. Review status: criteria provided, single submitter. Criteria: CeGaT Center For Human Genetics Tuebingen Variant Classification Criteria Version 2. Collection method: clinical testing. Allele origin: germline. Affected: yes. Observed: 1 variant allele.
Comment: CDH23: PM2, BP4

Labcorp Genetics (formerly Invitae), Labcorp
Classification: Uncertain significance. Last evaluated: 2020-12-22. Review status: criteria provided, single submitter. Criteria: Invitae Variant Classification Sherloc (09022015). Collection method: clinical testing. Allele origin: germline.
Comment: This sequence change replaces threonine with methionine at codon 2052 of the CDH23 protein (p.Thr2052Met). The threonine residue is highly conserved and there is a moderate physicochemical difference between threonine and methionine. This variant is not present in population databases (ExAC no frequency). This variant has not been reported in the literature in individuals with CDH23-related conditions. Algorithms developed to predict the effect of missense changes on protein structure and function are either unavailable or do not agree on the potential impact of this missense change (SIFT: "Deleterious"; PolyPhen-2: "Not Available"; Align-GVGD: "Class C65"). In summary, the available evidence is currently insufficient to determine the role of this variant in disease. Therefore, it has been classified as a Variant of Uncertain Significance.